The following is an entry in ClinVar:

ClinVar aggregate classification (germline): Pathogenic (1 of 4 stars; one submission).

Conditions:
SYNCRIP-related neurodevelopmental disorder. Identifiers: MedGen CN376111, MONDO:0800456.

Submission:

Victorian Clinical Genetics Services, Murdoch Childrens Research Institute
Classification: Pathogenic for SYNCRIP-related neurodevelopmental disorder. Last evaluated: 2025-03-31. Review status: criteria provided, single submitter. Criteria: ACMG Guidelines, 2015. Collection method: clinical testing. Allele origin: germline. Affected: yes.
Comment: This variant is classified as Pathogenic. Evidence in support of pathogenic classification: Variant is predicted to result in a truncated protein (premature termination codon is NOT located at least 54 nucleotides upstream of the final exon-exon junction) with less than 1/3 of the protein sequence affected; Variant is absent from gnomAD (v2, v3 and v4); Other truncating variant(s) comparable to the one identified in this case have strong previous evidence for pathogenicity. Multiple comparable truncating variants have been reported in individuals with SYNCRIP-related features (Shafiq, T. et al. (2024), PMIDs: 34157790, 33874999). Additionally, p.(Gly522Phefs*45) has been classified as a VUS by a clinical laboratory for an individual presenting with intellectual disability, ADHD, speech delay, and esotropia (ClinVar, personal communication); Additional information: This variant is heterozygous; This gene is associated with autosomal dominant disease; This variant has no previous evidence of pathogenicity; No published segregation evidence has been identified for this variant; No published functional evidence has been identified for this variant; Loss of function is a known mechanism of disease in this gene and is associated with SYNCRIP-related neurodevelopmental disorder (MONDO:0800456); Variants in this gene are known to have variable expressivity. Symptom severity and phenotypic presentation variability have been noted in affected individuals (Shafiq, T. et al. (2024)).

Literature cited by the submitters: PubMed 34157790; PubMed 33874999.

NM_006372.5(SYNCRIP):c.1473dup (p.Gln492fs)

Gene: SYNCRIP (synaptotagmin binding cytoplasmic RNA interacting protein; minus strand). Cytogenetic location: 6q14.3.
Variant type: Duplication.
Coding change: c.1473dup on transcript NM_006372.5 (MANE Select); coding-DNA position 1473, one base duplicated (T; older notation c.1473dupT).
Protein change: p.Gln492fs; shifts the reading frame from glutamine 492.
Molecular consequence: frameshift variant.
Genome position (GRCh38, 1-based): chr6:85,615,155, A duplicated on the plus strand (T on the coding strand, the reverse complement: SYNCRIP is on the minus strand); the first of 4 consecutive A bases (chr6:85,615,155-85,615,158); duplicating any one gives the same sequence. VCF-style (leftmost placement, unchanged base first): chr6-85615154-G-GA. GRCh37 (hg19) VCF-style: chr6-86324872-G-GA.
Other names: c.1179dup, p.Gln394fs (NM_001159673.2, NM_001410938.1, NM_001439159.1); c.1368dup, p.Gln457fs (NM_001159674.2, NM_001159675.2); c.1473dup, p.Gln492fs (NM_001159676.2, NM_001159677.2, NM_001439158.1 and 3 more transcripts); c.1017dup, p.Gln340fs (NM_001253771.2); short protein forms Q340fs, Q394fs, Q457fs, Q492fs.
Identifiers: ClinVar variation 4532038 (VCV004532038.1).